The following is an entry in ClinVar:

NM_014484.5(MOCS3):c.1045G>A (p.Ala349Thr)

Gene: MOCS3 (molybdenum cofactor synthesis 3; plus strand). Cytogenetic location: 20q13.13.
Variant type: single nucleotide variant.
Coding change: c.1045G>A on transcript NM_014484.5 (MANE Select); coding-DNA position 1045, G replaced by A.
Protein change: p.Ala349Thr; replaces alanine 349 with threonine.
Molecular consequence: missense variant.
Genome position (GRCh38, 1-based): chr20:50,959,887, G>A. VCF-style: chr20-50959887-G-A. GRCh37 (hg19) VCF-style: chr20-49576424-G-A.
Other names: short protein forms A349T.
Identifiers: ClinVar variation 2790530 (VCV002790530.3), dbSNP rs1317205336, ClinGen allele CA408985637.

ClinVar aggregate classification (germline): Uncertain significance (1 of 4 stars; one submission).

Allele frequency attached by ClinVar (database versions not stated): TOPMed below 0.00001; gnomAD 0.00001.
gnomAD v4.1: 2 of 1,614,098 alleles (0.00012%); highest among the groups gnomAD compares: African/African-American, 0.0013%; no homozygotes.

Submission:

Labcorp Genetics (formerly Invitae), Labcorp
Classification: Uncertain significance. Last evaluated: 2023-03-23. Review status: criteria provided, single submitter. Criteria: Invitae Variant Classification Sherloc (09022015). Collection method: clinical testing. Allele origin: germline.
Comment: This sequence change replaces alanine, which is neutral and non-polar, with threonine, which is neutral and polar, at codon 349 of the MOCS3 protein (p.Ala349Thr). This variant is not present in population databases (gnomAD no frequency). This variant has not been reported in the literature in individuals affected with MOCS3-related conditions. Algorithms developed to predict the effect of missense changes on protein structure and function output the following: SIFT: "Not Available"; PolyPhen-2: "Benign"; Align-GVGD: "Not Available". The threonine amino acid residue is found in multiple mammalian species, which suggests that this missense change does not adversely affect protein function. In summary, the available evidence is currently insufficient to determine the role of this variant in disease. Therefore, it has been classified as a Variant of Uncertain Significance.